The following is an entry in ClinVar:

NM_007078.3(LDB3):c.2094+148G>A

Gene: LDB3 (LIM domain binding 3; plus strand). Cytogenetic location: 10q23.2.
Variant type: single nucleotide variant.
Coding change: c.2094+148G>A on transcript NM_007078.3 (MANE Select); 148 bases into the intron after coding-DNA position 2094, G replaced by A.
Molecular consequence: intron variant.
Genome position (GRCh38, 1-based): chr10:86,726,400, G>A. VCF-style: chr10-86726400-G-A. GRCh37 (hg19) VCF-style: chr10-88486157-G-A.
Other names: c.1905+148G>A (NM_001368064.1, NM_001368065.1); c.2109+148G>A (NM_001171610.2); c.1953+148G>A (NM_001368066.1); c.1764+148G>A (NM_001080114.2).
Identifiers: ClinVar variation 676412 (VCV000676412.2), dbSNP rs17106978, ClinGen allele CA211214106.

ClinVar aggregate classification (germline): Likely benign. Review status: criteria provided, multiple submitters, no conflicts (2 of 4 stars). 2 submissions from 2 submitters: Likely benign (2). Last evaluated 2018-06-14.

Allele frequency attached by ClinVar (database versions not stated): TOPMed 0.01136; 1000 Genomes Project 0.01158; 1000 Genomes Project 30x 0.01218.
gnomAD v4.1: 2,367 of 698,402 alleles (0.34%); highest among the groups gnomAD compares: African/African-American, 3.6%; 47 homozygotes.

Submissions (2):

GeneDx
Classification: Likely benign. Last evaluated: 2018-06-14. Review status: criteria provided, single submitter. Criteria: GeneDx Variant Classification (06012015). Collection method: clinical testing. Allele origin: germline. Affected: yes.
Comment: This variant is considered likely benign or benign based on one or more of the following criteria: it is a conservative change, it occurs at a poorly conserved position in the protein, it is predicted to be benign by multiple in silico algorithms, and/or has population frequency not consistent with disease.

Breakthrough Genomics
Classification: Likely benign. Review status: criteria provided, single submitter. Criteria: ACMG Guidelines, 2015. Collection method: not provided. Allele origin: germline. Inheritance: Autosomal dominant inheritance. Affected: yes.